The following is an entry in ClinVar:

NM_004187.5(KDM5C):c.3629A>G (p.His1210Arg)

Gene: KDM5C (lysine demethylase 5C; minus strand). Cytogenetic location: Xp11.22.
Variant type: single nucleotide variant.
Coding change: c.3629A>G on transcript NM_004187.5 (MANE Select); coding-DNA position 3629, A replaced by G.
Protein change: p.His1210Arg; replaces histidine 1210 with arginine.
Molecular consequence: missense variant. On other transcripts: non-coding transcript variant (3).
Genome position (GRCh38, 1-based): chrX:53,194,548, T>C on the plus strand (A>G on the coding strand, the complement: KDM5C is on the minus strand). VCF-style: chrX-53194548-T-C. GRCh37 (hg19) VCF-style: chrX-53223730-T-C.
Other names: c.3626A>G, p.His1209Arg (NM_001282622.3, NM_001353979.2, NM_001353982.2); c.3629A>G, p.His1210Arg (NM_001353978.3, NM_001353981.2, NM_001353984.2); c.3428A>G, p.His1143Arg (NM_001146702.2); short protein forms H1143R, H1209R, H1210R.
Identifiers: ClinVar variation 4856377 (VCV004856377.1).

ClinVar aggregate classification (germline): Uncertain significance (1 of 4 stars; one submission).

Conditions:
Intellectual developmental disorder, X-linked, syndromic, Claes-Jensen type. Also called: Syndromic X-linked intellectual disability Claes-Jensen type; INTELLECTUAL DEVELOPMENTAL DISORDER, X-LINKED, SYNDROMIC 16; MENTAL RETARDATION, X-LINKED, SYNDROMIC 16. Identifiers: Orphanet 85279, MedGen C1845243, MONDO:0010355, OMIM 300534.

Submission:

3billion
Classification: Uncertain significance for Intellectual developmental disorder, X-linked, syndromic, Claes-Jensen type. Last evaluated: 2025-07-15. Review status: criteria provided, single submitter. Criteria: ACMG Guidelines, 2015. Collection method: clinical testing. Allele origin: germline. Affected: yes.
Comment: The variant is not observed in the gnomAD v4.1.0 dataset. Predicted Consequence/Location: Missense variant In silico tool predictions suggest damaging effect of the variant on gene or gene product [REVEL: 0.96 (>=0.6, sensitivity 0.68 and specificity 0.92); 3Cnet: 0.90 (> 0.75, sensitivity 0.96 and precision 0.92)]. Therefore, this variant is classified as VUS according to the recommendation of ACMG/AMP guideline.